The following is an entry in ClinVar:

NM_004415.4(DSP):c.7819del (p.Ser2607fs)

Gene: DSP (desmoplakin; plus strand). Cytogenetic location: 6p24.3.
Variant type: Deletion.
Coding change: c.7819del on transcript NM_004415.4 (MANE Select); coding-DNA position 7819, one base deleted (A; older notation c.7819delA).
Protein change: p.Ser2607fs; shifts the reading frame from serine 2607.
Molecular consequence: frameshift variant.
Genome position (GRCh38, 1-based): chr6:7,585,081, A deleted. VCF-style (leftmost placement, unchanged base first): chr6-7585080-CA-C. GRCh37 (hg19) VCF-style: chr6-7585313-CA-C.
Other names: c.6022del, p.Ser2008fs (NM_001008844.3); c.6490del, p.Ser2164fs (NM_001319034.2); short protein forms S2008fs, S2164fs, S2607fs.
Identifiers: ClinVar variation 4786773 (VCV004786773.1).

ClinVar aggregate classification (germline): Pathogenic (1 of 4 stars; one submission).

Conditions:
Arrhythmogenic cardiomyopathy with wooly hair and keratoderma. Also called: Carvajal syndrome; PALMOPLANTAR KERATODERMA WITH LEFT VENTRICULAR CARDIOMYOPATHY AND WOOLLY HAIR; Dilated cardiomyopathy with woolly hair and keratoderma; Arrhythmogenic cardiomyopathy with woolly hair and keratoderma. Identifiers: Orphanet 65282, MedGen C1854063, MONDO:0011581, OMIM 605676.
Arrhythmogenic right ventricular dysplasia 8 (ARVD8). Also called: Arrhythmogenic Right Ventricular Dysplasia/Cardiomyopathy 8; ARRHYTHMOGENIC RIGHT VENTRICULAR DYSPLASIA, FAMILIAL, 8; ARRHYTHMOGENIC RIGHT VENTRICULAR CARDIOMYOPATHY 8. Identifiers: MedGen C1843896, MONDO:0011831, OMIM 607450.

Submission:

Labcorp Genetics (formerly Invitae), Labcorp
Classification: Pathogenic for Arrhythmogenic cardiomyopathy with wooly hair and keratoderma; Arrhythmogenic right ventricular dysplasia 8. Last evaluated: 2025-11-22. Review status: criteria provided, single submitter. Criteria: Invitae Variant Classification Sherloc (09022015). Collection method: clinical testing. Allele origin: germline.
Comment: This sequence change creates a premature translational stop signal (p.Ser2607Alafs*31) in the DSP gene. While this is not anticipated to result in nonsense mediated decay, it is expected to disrupt the last 265 amino acid(s) of the DSP protein. This variant is not present in population databases (gnomAD no frequency). This variant has not been reported in the literature in individuals affected with DSP-related conditions. Algorithms developed to predict the effect of sequence changes on RNA splicing suggest that this variant may create or strengthen a splice site. This variant disrupts a region of the DSP protein in which other variant(s) (p.Glu2728Glyfs*11) have been determined to be pathogenic (PMID: 21859740, 28527814). This suggests that this is a clinically significant region of the protein, and that variants that disrupt it are likely to be disease-causing. For these reasons, this variant has been classified as Pathogenic.

Literature cited by the submitters: PubMed 21859740; PubMed 28527814.